The following is an entry in ClinVar:

NM_020458.4(TTC7A):c.2496C>T (p.Ala832=)

Gene: TTC7A (tetratricopeptide repeat domain 7A; plus strand). Cytogenetic location: 2p21.
Variant type: single nucleotide variant.
Coding change: c.2496C>T on transcript NM_020458.4 (MANE Select); coding-DNA position 2496, C replaced by T.
Protein change: p.Ala832=; no amino-acid change (alanine 832 retained).
Molecular consequence: synonymous variant.
Genome position (GRCh38, 1-based): chr2:47,073,842, C>T. VCF-style: chr2-47073842-C-T. GRCh37 (hg19) VCF-style: chr2-47300981-C-T.
Other names: c.2568C>T, p.Ala856= (NM_001288951.2); c.2394C>T, p.Ala798= (NM_001288953.2); c.1434C>T, p.Ala478= (NM_001288955.2).
Identifiers: ClinVar variation 733188 (VCV000733188.33), dbSNP rs553994940, ClinGen allele CA1648181.

ClinVar aggregate classification (germline): Likely benign. Review status: criteria provided, multiple submitters, no conflicts (2 of 4 stars). 2 submissions from 2 submitters: Likely benign (2). Last evaluated 2026-01-18.

Conditions:
Multiple gastrointestinal atresias. Also called: Multiple intestinal atresia; FAMILIAL INTESTINAL POLYATRESIA SYNDROME. Identifiers: Orphanet 2300, MedGen C0220744, MONDO:0009465.

Allele frequency attached by ClinVar (database versions not stated): gnomAD exomes 0.00004 and 0.00013; gnomAD 0.00013; TOPMed 0.00013; 1000 Genomes Project 30x 0.00016; ExAC 0.00017; 1000 Genomes Project 0.00020.
gnomAD v4.1: 75 of 1,613,790 alleles (0.0046%); highest among the groups gnomAD compares: East Asian, 0.053%; no homozygotes.

Submissions (2):

Labcorp Genetics (formerly Invitae), Labcorp
Classification: Likely benign for Multiple gastrointestinal atresias. Last evaluated: 2026-01-18. Review status: criteria provided, single submitter. Criteria: Invitae Variant Classification Sherloc (09022015). Collection method: clinical testing. Allele origin: germline.

CeGaT Center for Human Genetics Tuebingen
Classification: Likely benign. Last evaluated: 2023-06-01. Review status: criteria provided, single submitter. Criteria: CeGaT Center For Human Genetics Tuebingen Variant Classification Criteria Version 2. Collection method: clinical testing. Allele origin: germline. Affected: yes. Observed: 1 variant allele.
Comment: TTC7A: BP4, BP7